The following is an entry in ClinVar:

NM_015215.4(CAMTA1):c.3626A>G (p.Lys1209Arg)

Gene: CAMTA1 (calmodulin binding transcription activator 1; plus strand). Cytogenetic location: 1p36.23.
Variant type: single nucleotide variant.
Coding change: c.3626A>G on transcript NM_015215.4 (MANE Select); coding-DNA position 3626, A replaced by G.
Protein change: p.Lys1209Arg; replaces lysine 1209 with arginine.
Molecular consequence: missense variant.
Genome position (GRCh38, 1-based): chr1:7,737,538, A>G. VCF-style: chr1-7737538-A-G. GRCh37 (hg19) VCF-style: chr1-7797598-A-G.
Other names: c.3536A>G, p.Lys1179Arg (NM_001349608.2, NM_001349612.2); c.3626A>G, p.Lys1209Arg (NM_001349609.2, NM_001349610.2); c.755A>G, p.Lys252Arg (NM_001349613.1); c.698A>G, p.Lys233Arg (NM_001349614.1, NM_001349615.2, NM_001349616.2 and 10 more transcripts); short protein forms K233R, K1209R, K1179R, K252R.
Identifiers: ClinVar variation 1044081 (VCV001044081.7), dbSNP rs149753840, ClinGen allele CA566987.

ClinVar aggregate classification (germline): Uncertain significance (1 of 4 stars; one submission).

Allele frequency attached by ClinVar (database versions not stated): gnomAD exomes 0.00014 and 0.00015; ESP Exome Variant Server 0.00015; 1000 Genomes Project 30x 0.00016; ExAC 0.00017; gnomAD 0.00019; 1000 Genomes Project 0.00020; TOPMed 0.00026.
gnomAD v4.1: 252 of 1,613,140 alleles (0.016%); highest among the groups gnomAD compares: Admixed American, 0.047%; no homozygotes.

Submission:

Labcorp Genetics (formerly Invitae), Labcorp
Classification: Uncertain significance. Last evaluated: 2022-12-07. Review status: criteria provided, single submitter. Criteria: Invitae Variant Classification Sherloc (09022015). Collection method: clinical testing. Allele origin: germline.
Comment: This variant has not been reported in the literature in individuals affected with CAMTA1-related conditions. This variant is present in population databases (rs149753840, gnomAD 0.04%), and has an allele count higher than expected for a pathogenic variant. This sequence change replaces lysine, which is basic and polar, with arginine, which is basic and polar, at codon 1209 of the CAMTA1 protein (p.Lys1209Arg). In summary, the available evidence is currently insufficient to determine the role of this variant in disease. Therefore, it has been classified as a Variant of Uncertain Significance. Algorithms developed to predict the effect of missense changes on protein structure and function are either unavailable or do not agree on the potential impact of this missense change (SIFT: "Tolerated"; PolyPhen-2: "Probably Damaging"; Align-GVGD: "Class C0"). ClinVar contains an entry for this variant (Variation ID: 1044081).